The following is an entry in ClinVar:

ClinVar aggregate classification (germline): Uncertain significance (1 of 4 stars; one submission).

Conditions:
Familial cancer of breast. Also called: Hereditary breast cancer; BREAST CANCER, FAMILIAL; hereditary breast carcinoma. Identifiers: Orphanet 227535, MedGen C0346153, MONDO:0016419, OMIM 114480. Disease mechanism: loss of function.

Submission:

Labcorp Genetics (formerly Invitae), Labcorp
Classification: Uncertain significance for Familial cancer of breast. Last evaluated: 2021-07-01. Review status: criteria provided, single submitter. Criteria: Invitae Variant Classification Sherloc (09022015). Collection method: clinical testing. Allele origin: germline.
Comment: Algorithms developed to predict the effect of missense changes on protein structure and function are either unavailable or do not agree on the potential impact of this missense change (SIFT: "Deleterious"; PolyPhen-2: "Benign"; Align-GVGD: "Class C15"). This variant has not been reported in the literature in individuals with BARD1-related conditions. This variant is not present in population databases (ExAC no frequency). This sequence change replaces serine with cysteine at codon 131 of the BARD1 protein (p.Ser131Cys). The serine residue is moderately conserved and there is a moderate physicochemical difference between serine and cysteine. In summary, the available evidence is currently insufficient to determine the role of this variant in disease. Therefore, it has been classified as a Variant of Uncertain Significance.

NM_000465.4(BARD1):c.391A>T (p.Ser131Cys)

Gene: BARD1 (BRCA1 associated RING domain 1; minus strand). Cytogenetic location: 2q35.
Variant type: single nucleotide variant.
Coding change: c.391A>T on transcript NM_000465.4 (MANE Select); coding-DNA position 391, A replaced by T.
Protein change: p.Ser131Cys; replaces serine 131 with cysteine.
Molecular consequence: missense variant. On other transcripts: non-coding transcript variant (2), intron variant (3).
Genome position (GRCh38, 1-based): chr2:214,781,483, T>A on the plus strand (A>T on the coding strand, the complement: BARD1 is on the minus strand). VCF-style: chr2-214781483-T-A. GRCh37 (hg19) VCF-style: chr2-215646207-T-A.
Other names: c.334A>T, p.Ser112Cys (NM_001282543.2); c.158+27929A>T (NM_001282548.2); c.215+15578A>T (NM_001282545.2); c.364+10814A>T (NM_001282549.2); short protein forms S112C, S131C.
Identifiers: ClinVar variation 1035286 (VCV001035286.9), dbSNP rs1387450000, ClinGen allele CA350458186.
Genomic context (GRCh38, chr2:214,781,483, plus strand): 5'-TTCGAGGGCTAAACCACATTTTAATTGAATTCTTCTTGTTTCCTGCATCATTAAACAAAC[T>A]TTTCCTAGGTTTATCTTCTTTCAAATCTGACAGAAAAAAAGAAAAAGAAATCTGTTACAT-3'
Protein context (NP_000456.2, residues 121-141): SDLKEDKPRK[Ser131Cys]LFNDAGNKKN